The following is an entry in ClinVar:

NM_000153.4(GALC):c.2035T>C (p.Phe679Leu)

Gene: GALC (galactosylceramidase; minus strand). Cytogenetic location: 14q31.3.
Variant type: single nucleotide variant.
Coding change: c.2035T>C on transcript NM_000153.4 (MANE Select); coding-DNA position 2035, T replaced by C.
Protein change: p.Phe679Leu; replaces phenylalanine 679 with leucine.
Molecular consequence: missense variant.
Genome position (GRCh38, 1-based): chr14:87,934,755, A>G on the plus strand (T>C on the coding strand, the complement: GALC is on the minus strand). VCF-style: chr14-87934755-A-G. GRCh37 (hg19) VCF-style: chr14-88401099-A-G.
Other names: c.1966T>C, p.Phe656Leu (NM_001201401.2); c.1957T>C, p.Phe653Leu (NM_001201402.2); short protein forms F679L, F656L, F653L.
Identifiers: ClinVar variation 633227 (VCV000633227.7), dbSNP rs779202612, ClinGen allele CA7296829.

ClinVar aggregate classification (germline): Uncertain significance. Review status: criteria provided, multiple submitters, no conflicts (2 of 4 stars). 4 submissions from 4 submitters: Uncertain significance (3). 1 of the submissions does not count toward it. Last evaluated 2024-09-14.

Conditions:
Galactosylceramide beta-galactosidase deficiency. Also called: Krabbe Disease; Leukodystrophy, Globoid Cell; GALACTOCEREBROSIDASE DEFICIENCY; GALC DEFICIENCY; GLOBOID CELL LEUKOENCEPHALOPATHY. Identifiers: Orphanet 487, MedGen C0023521, MONDO:0009499, OMIM 245200.

Allele frequency attached by ClinVar (database versions not stated): ExAC 0.00002; gnomAD 0.00003; gnomAD exomes 0.00003; TOPMed 0.00003.
gnomAD v4.1: 47 of 1,613,198 alleles (0.0029%); highest among the groups gnomAD compares: Non-Finnish European, 0.0038%; no homozygotes.

Submissions (4):

Labcorp Genetics (formerly Invitae), Labcorp
Classification: Uncertain significance for Galactosylceramide beta-galactosidase deficiency. Last evaluated: 2024-09-14. Review status: criteria provided, single submitter. Criteria: Invitae Variant Classification Sherloc (09022015). Collection method: clinical testing. Allele origin: germline.
Comment: This sequence change replaces phenylalanine, which is neutral and non-polar, with leucine, which is neutral and non-polar, at codon 679 of the GALC protein (p.Phe679Leu). This variant is present in population databases (rs779202612, gnomAD 0.007%). This variant has not been reported in the literature in individuals affected with GALC-related conditions. ClinVar contains an entry for this variant (Variation ID: 633227). Invitae Evidence Modeling of protein sequence and biophysical properties (such as structural, functional, and spatial information, amino acid conservation, physicochemical variation, residue mobility, and thermodynamic stability) has been performed for this missense variant. However, the output from this modeling did not meet the statistical confidence thresholds required to predict the impact of this variant on GALC protein function. In summary, the available evidence is currently insufficient to determine the role of this variant in disease. Therefore, it has been classified as a Variant of Uncertain Significance.

Blueprint Genetics
Classification: Uncertain significance. Last evaluated: 2024-01-08. Review status: criteria provided, single submitter. Criteria: ACMG Guidelines, 2015. Collection method: clinical testing. Allele origin: germline.

Women's Health and Genetics/Laboratory Corporation of America, LabCorp
Classification: Uncertain significance. Last evaluated: 2017-10-23. Review status: criteria provided, single submitter. Criteria: LabCorp Variant Classification Summary - May 2015. Collection method: clinical testing. Allele origin: germline.
Comment: Variant summary: The GALC c.2035T>C (p.Phe679Leu) variant involves the alteration of a conserved nucleotide and 3/4 in silico tools predict a benign outcome for this variant (SNPsandGO not captured due to low reliability index). However, these predictions have yet to be functionally assessed. This variant was found in 8/245586 control chromosomes (gnomAD) at a frequency of 0.0000326, which does not exceed the estimated maximal expected allele frequency of a pathogenic GALC variant (0.0022361). The variant of interest has not, to our knowledge, been reported in affected individuals via publications and/or reputable databases/clinical diagnostic laboratories. Because of the absence of clinical information and the lack of functional studies, the variant is classified as a "Variant of Uncertain Significance (VUS)," until additional information becomes available.

Natera, Inc.
Classification: Uncertain significance for Galactosylceramide beta-galactosidase deficiency. Last evaluated: 2019-10-28. Review status: no assertion criteria provided. Collection method: clinical testing. Allele origin: germline. Not counted in ClinVar's aggregate classification.